The following is an entry in ClinVar:

NM_016532.4(INPP5K):c.119A>G (p.Asn40Ser)

Gene: INPP5K (inositol polyphosphate-5-phosphatase K; minus strand). Cytogenetic location: 17p13.3.
Variant type: single nucleotide variant.
Coding change: c.119A>G on transcript NM_016532.4 (MANE Select); coding-DNA position 119, A replaced by G.
Protein change: p.Asn40Ser; replaces asparagine 40 with serine.
Molecular consequence: missense variant. On other transcripts: 5 prime UTR variant (2).
Genome position (GRCh38, 1-based): chr17:1,513,905, T>C on the plus strand (A>G on the coding strand, the complement: INPP5K is on the minus strand). VCF-style: chr17-1513905-T-C. GRCh37 (hg19) VCF-style: chr17-1417199-T-C.
Other names: c.-110A>G (NM_001135642.2, NM_130766.3); short protein forms N40S.
Identifiers: ClinVar variation 715884 (VCV000715884.6), dbSNP rs547379014, ClinGen allele CA8268712.

ClinVar aggregate classification (germline): Conflicting classifications of pathogenicity. Review status: criteria provided, conflicting classifications (1 of 4 stars). 3 submissions from 3 submitters: Uncertain significance (1); Likely benign (1). 1 of the submissions does not count toward it. Last evaluated 2018-07-16.

Conditions:
Muscular dystrophy, congenital, with cataracts and impaired intellectual development. Also called: Congenital muscular dystrophy with cataracts and intellectual disability. Identifiers: Orphanet 662184, MedGen C4479410, MONDO:0024607, OMIM 617404.
INPP5K-related disorder. Also called: INPP5K-related condition.

Allele frequency attached by ClinVar (database versions not stated): gnomAD 0.00005; TOPMed 0.00020.
gnomAD v4.1: 99 of 1,613,308 alleles (0.0061%); highest among the groups gnomAD compares: Admixed American, 0.16%; no homozygotes.

Submissions (3):

Labcorp Genetics (formerly Invitae), Labcorp
Classification: Likely benign. Last evaluated: 2018-07-16. Review status: criteria provided, single submitter. Criteria: Invitae Variant Classification Sherloc (09022015). Collection method: clinical testing. Allele origin: germline.

Baylor Genetics
Classification: Uncertain significance for Muscular dystrophy, congenital, with cataracts and impaired intellectual development. Last evaluated: 2018-02-09. Review status: criteria provided, single submitter. Criteria: ACMG Guidelines, 2015. Collection method: clinical testing. Allele origin: unknown. Affected: yes.
Comment: This variant was determined to be of uncertain significance according to ACMG Guidelines, 2015 [PMID:25741868].

PreventionGenetics, part of Exact Sciences
Classification: Likely benign for INPP5K-related condition. Last evaluated: 2022-03-14. Review status: no assertion criteria provided. Collection method: clinical testing. Allele origin: germline. Not counted in ClinVar's aggregate classification.
Comment: This variant is classified as likely benign based on ACMG/AMP sequence variant interpretation guidelines (Richards et al. 2015 PMID: 25741868, with internal and published modifications).